The following is an entry in ClinVar:

NM_020338.4(ZMIZ1):c.1676A>G (p.Asn559Ser)

Gene: ZMIZ1 (zinc finger MIZ-type containing 1; plus strand). Cytogenetic location: 10q22.3.
Variant type: single nucleotide variant.
Coding change: c.1676A>G on transcript NM_020338.4 (MANE Select); coding-DNA position 1676, A replaced by G.
Protein change: p.Asn559Ser; replaces asparagine 559 with serine.
Molecular consequence: missense variant.
Genome position (GRCh38, 1-based): chr10:79,299,059, A>G. VCF-style: chr10-79299059-A-G. GRCh37 (hg19) VCF-style: chr10-81058816-A-G.
Other names: short protein forms N559S.
Identifiers: ClinVar variation 4744822 (VCV004744822.1).

ClinVar aggregate classification (germline): Uncertain significance (1 of 4 stars; one submission).

gnomAD v4.1: 7 of 1,609,916 alleles (0.00043%); highest among the groups gnomAD compares: African/African-American, 0.004%; no homozygotes.

Submission:

Labcorp Genetics (formerly Invitae), Labcorp
Classification: Uncertain significance. Last evaluated: 2025-09-27. Review status: criteria provided, single submitter. Criteria: Invitae Variant Classification Sherloc (09022015). Collection method: clinical testing. Allele origin: germline.
Comment: This sequence change replaces asparagine, which is neutral and polar, with serine, which is neutral and polar, at codon 559 of the ZMIZ1 protein (p.Asn559Ser). This variant is present in population databases (rs767926160, gnomAD 0.01%). This variant has not been reported in the literature in individuals affected with ZMIZ1-related conditions. Invitae Evidence Modeling of protein sequence and biophysical properties (such as structural, functional, and spatial information, amino acid conservation, physicochemical variation, residue mobility, and thermodynamic stability) indicates that this missense variant is not expected to disrupt ZMIZ1 protein function with a negative predictive value of 95%. In summary, the available evidence is currently insufficient to determine the role of this variant in disease. Therefore, it has been classified as a Variant of Uncertain Significance.